The following is an entry in ClinVar:

NM_057175.5(NAA15):c.715C>T (p.Arg239Cys)

Gene: NAA15 (N-alpha-acetyltransferase 15, NatA auxiliary subunit; plus strand). Cytogenetic location: 4q31.1.
Variant type: single nucleotide variant.
Coding change: c.715C>T on transcript NM_057175.5 (MANE Select); coding-DNA position 715, C replaced by T.
Protein change: p.Arg239Cys; replaces arginine 239 with cysteine.
Molecular consequence: missense variant.
Genome position (GRCh38, 1-based): chr4:139,349,485, C>T. VCF-style: chr4-139349485-C-T. GRCh37 (hg19) VCF-style: chr4-140270639-C-T.
Other names: c.715C>T, p.Arg239Cys (NM_001410842.1); short protein forms R239C.
Identifiers: ClinVar variation 4694594 (VCV004694594.2).

ClinVar aggregate classification (germline): Uncertain significance. Review status: criteria provided, multiple submitters, no conflicts (2 of 4 stars). 2 submissions from 2 submitters: Uncertain significance (2). Last evaluated 2025-07-18.

gnomAD v4.1: 28 of 1,598,356 alleles (0.0018%); highest among the groups gnomAD compares: South Asian, 0.0023%; no homozygotes.

Submissions (2):

Labcorp Genetics (formerly Invitae), Labcorp
Classification: Uncertain significance. Last evaluated: 2025-07-18. Review status: criteria provided, single submitter. Criteria: Invitae Variant Classification Sherloc (09022015). Collection method: clinical testing. Allele origin: germline.
Comment: This sequence change replaces arginine, which is basic and polar, with cysteine, which is neutral and slightly polar, at codon 239 of the NAA15 protein (p.Arg239Cys). This variant is present in population databases (rs759209811, gnomAD 0.003%). This variant has not been reported in the literature in individuals affected with NAA15-related conditions. An algorithm developed to predict the effect of missense changes on protein structure and function (PolyPhen-2) suggests that this variant is likely to be disruptive. In summary, the available evidence is currently insufficient to determine the role of this variant in disease. Therefore, it has been classified as a Variant of Uncertain Significance.

Blueprint Genetics
Classification: Uncertain significance. Last evaluated: 2024-10-29. Review status: criteria provided, single submitter. Criteria: ACMG Guidelines, 2015. Collection method: clinical testing. Allele origin: germline.